The following is an entry in ClinVar:

ClinVar aggregate classification (germline): Uncertain significance (1 of 4 stars; one submission).

Allele frequency attached by ClinVar (database versions not stated): gnomAD 0.00001.
gnomAD v4.1: 5 of 1,614,022 alleles (0.00031%); highest among the groups gnomAD compares: African/African-American, 0.0027%; no homozygotes.

Submission:

Labcorp Genetics (formerly Invitae), Labcorp
Classification: Uncertain significance. Last evaluated: 2024-01-15. Review status: criteria provided, single submitter. Criteria: Invitae Variant Classification Sherloc (09022015). Collection method: clinical testing. Allele origin: germline.
Comment: This sequence change replaces glycine, which is neutral and non-polar, with valine, which is neutral and non-polar, at codon 547 of the COL9A1 protein (p.Gly547Val). This variant is not present in population databases (gnomAD no frequency). This variant has not been reported in the literature in individuals affected with COL9A1-related conditions. ClinVar contains an entry for this variant (Variation ID: 1942733). Advanced modeling of protein sequence and biophysical properties (such as structural, functional, and spatial information, amino acid conservation, physicochemical variation, residue mobility, and thermodynamic stability) performed at Invitae indicates that this missense variant is expected to disrupt COL9A1 protein function with a positive predictive value of 95%. In summary, the available evidence is currently insufficient to determine the role of this variant in disease. Therefore, it has been classified as a Variant of Uncertain Significance.

NM_001851.6(COL9A1):c.1640G>T (p.Gly547Val)

Gene: COL9A1 (collagen type IX alpha 1 chain; minus strand). Cytogenetic location: 6q13.
Variant type: single nucleotide variant.
Coding change: c.1640G>T on transcript NM_001851.6 (MANE Select); coding-DNA position 1640, G replaced by T.
Protein change: p.Gly547Val; replaces glycine 547 with valine.
Molecular consequence: missense variant. On other transcripts: non-coding transcript variant (1).
Genome position (GRCh38, 1-based): chr6:70,254,988, C>A on the plus strand (G>T on the coding strand, the complement: COL9A1 is on the minus strand). VCF-style: chr6-70254988-C-A. GRCh37 (hg19) VCF-style: chr6-70964691-C-A.
Other names: c.911G>T, p.Gly304Val (NM_001377289.1, NM_001377290.1, NM_078485.4); short protein forms G304V, G547V.
Identifiers: ClinVar variation 1942733 (VCV001942733.3), dbSNP rs1427326341, ClinGen allele CA364677722.